The following is an entry in ClinVar:

ClinVar aggregate classification (germline): Likely benign. Review status: criteria provided, single submitter (1 of 4 stars). 2 submissions from 2 submitters: Likely benign (1). 1 of the submissions does not count toward it. Last evaluated 2025-11-04.

Conditions:
ADGRA3-related disorder. Also called: ADGRA3-related condition.

Allele frequency attached by ClinVar (database versions not stated): gnomAD 0.00001; TOPMed 0.00005; ExAC 0.00008.
gnomAD v4.1: 43 of 1,613,936 alleles (0.0027%); highest among the groups gnomAD compares: Admixed American, 0.07%; no homozygotes.

Submissions (2):

Labcorp Genetics (formerly Invitae), Labcorp
Classification: Likely benign. Last evaluated: 2025-11-04. Review status: criteria provided, single submitter. Criteria: Invitae Variant Classification Sherloc (09022015). Collection method: clinical testing. Allele origin: germline.

PreventionGenetics, part of Exact Sciences
Classification: Likely benign for ADGRA3-related condition. Last evaluated: 2019-07-18. Review status: no assertion criteria provided. Collection method: clinical testing. Allele origin: germline. Not counted in ClinVar's aggregate classification.
Comment: This variant is classified as likely benign based on ACMG/AMP sequence variant interpretation guidelines (Richards et al. 2015 PMID: 25741868, with internal and published modifications).

NM_145290.4(ADGRA3):c.1992T>A (p.Thr664=)

Gene: ADGRA3 (adhesion G protein-coupled receptor A3; minus strand). Cytogenetic location: 4p15.2.
Variant type: single nucleotide variant.
Coding change: c.1992T>A on transcript NM_145290.4 (MANE Select); coding-DNA position 1992, T replaced by A.
Protein change: p.Thr664=; no amino-acid change (threonine 664 retained).
Molecular consequence: synonymous variant.
Genome position (GRCh38, 1-based): chr4:22,413,632, A>T on the plus strand (T>A on the coding strand, the complement: ADGRA3 is on the minus strand). VCF-style: chr4-22413632-A-T. GRCh37 (hg19) VCF-style: chr4-22415255-A-T.
Other names: c.1992T>A (NM_145290.3).
Identifiers: ClinVar variation 1158788 (VCV001158788.11), dbSNP rs749669568, ClinGen allele CA2873769.